The following is an entry in ClinVar:

ClinVar aggregate classification (germline): Likely benign (0 of 4 stars; one submission).

Conditions:
HTRA1-related disorder. Also called: HTRA1-related condition.

Allele frequency attached by ClinVar (database versions not stated): ExAC 0.00002; gnomAD exomes 0.00002.
gnomAD v4.1: 24 of 1,612,596 alleles (0.0015%); highest among the groups gnomAD compares: Middle Eastern, 0.033%; 1 homozygote.

Submission:

PreventionGenetics, part of Exact Sciences
Classification: Likely benign for HTRA1-related condition. Last evaluated: 2019-06-21. Review status: no assertion criteria provided. Collection method: clinical testing. Allele origin: germline.
Comment: This variant is classified as likely benign based on ACMG/AMP sequence variant interpretation guidelines (Richards et al. 2015 PMID: 25741868, with internal and published modifications).

NM_002775.5(HTRA1):c.1095G>A (p.Thr365=)

Gene: HTRA1 (HtrA serine peptidase 1; plus strand). Cytogenetic location: 10q26.13.
Variant type: single nucleotide variant.
Coding change: c.1095G>A on transcript NM_002775.5 (MANE Select); coding-DNA position 1095, G replaced by A.
Protein change: p.Thr365=; no amino-acid change (threonine 365 retained).
Molecular consequence: synonymous variant.
Genome position (GRCh38, 1-based): chr10:122,508,745, G>A. VCF-style: chr10-122508745-G-A. GRCh37 (hg19) VCF-style: chr10-124268261-G-A.
Identifiers: ClinVar variation 3043534 (VCV003043534.2), dbSNP rs752097769, ClinGen allele CA5726041.